The following is an entry in ClinVar:

NM_002693.3(POLG):c.1900C>T (p.Leu634=)

Gene: POLG (DNA polymerase gamma, catalytic subunit; minus strand). Cytogenetic location: 15q26.1.
Variant type: single nucleotide variant.
Coding change: c.1900C>T on transcript NM_002693.3 (MANE Select); coding-DNA position 1900, C replaced by T.
Protein change: p.Leu634=; no amino-acid change (leucine 634 retained).
Molecular consequence: synonymous variant.
Genome position (GRCh38, 1-based): chr15:89,325,499, G>A on the plus strand (C>T on the coding strand, the complement: POLG is on the minus strand). VCF-style: chr15-89325499-G-A. GRCh37 (hg19) VCF-style: chr15-89868730-G-A.
Other names: c.1900C>T, p.Leu634= (NM_001126131.2).
Identifiers: ClinVar variation 2889479 (VCV002889479.5), dbSNP rs1270268790, ClinGen allele CA492289221.

ClinVar aggregate classification (germline): Likely benign. Review status: criteria provided, multiple submitters, no conflicts (2 of 4 stars). 3 submissions from 3 submitters: Likely benign (3). Last evaluated 2026-02-05.

Conditions:
Progressive sclerosing poliodystrophy (MTDPS4A). Also called: NEURONAL DEGENERATION OF CHILDHOOD WITH LIVER DISEASE, PROGRESSIVE; Mitochondrial DNA Depletion Syndrome 4A; Alpers-Huttenlocher Syndrome (AHS); ALPERS PROGRESSIVE INFANTILE POLIODYSTROPHY; Alpers Syndrome; Mitochondrial DNA depletion syndrome 4A (Alpers type). Identifiers: Orphanet 726, MedGen C0205710, MONDO:0008758, OMIM 203700.
POLG-related disorder. Also called: POLG-related condition; POLG-Related Disorders; POLG-Related Spectrum Disorders. Identifiers: MedGen C4763519.

Allele frequency attached by ClinVar (database versions not stated): gnomAD exomes 0.00001.
gnomAD v4.1: 9 of 1,609,738 alleles (0.00056%); highest among the groups gnomAD compares: Non-Finnish European, 0.00076%; no homozygotes.

Submissions (3):

PreventionGenetics, part of Exact Sciences
Classification: Likely benign for POLG-related condition. Last evaluated: 2026-02-05. Review status: criteria provided, single submitter. Criteria: ACMG Guidelines, 2015. Collection method: clinical testing. Allele origin: germline.
Comment: This variant is classified as likely benign based on ACMG/AMP sequence variant interpretation guidelines (Richards et al. 2015 PMID: 25741868, with internal and published modifications).

Women's Health and Genetics/Laboratory Corporation of America, LabCorp
Classification: Likely benign. Last evaluated: 2025-06-17. Review status: criteria provided, single submitter. Criteria: LabCorp Variant Classification Summary - May 2015. Collection method: clinical testing. Allele origin: germline.

Labcorp Genetics (formerly Invitae), Labcorp
Classification: Likely benign for Progressive sclerosing poliodystrophy. Last evaluated: 2023-07-16. Review status: criteria provided, single submitter. Criteria: Invitae Variant Classification Sherloc (09022015). Collection method: clinical testing. Allele origin: germline.